The following is an entry in ClinVar:

NM_001283009.2(RTEL1):c.3266A>G (p.Asp1089Gly)

Genes: RTEL1 (regulator of telomere elongation helicase 1; plus strand), RTEL1-TNFRSF6B (RTEL1-TNFRSF6B readthrough (NMD candidate); plus strand). Cytogenetic location: 20q13.33.
Variant type: single nucleotide variant.
Coding change: c.3266A>G on transcript NM_001283009.2 (MANE Select); coding-DNA position 3266, A replaced by G.
Protein change: p.Asp1089Gly; replaces aspartic acid 1089 with glycine.
Molecular consequence: missense variant. On other transcripts: non-coding transcript variant (1).
Genome position (GRCh38, 1-based): chr20:63,694,897, A>G. VCF-style: chr20-63694897-A-G. GRCh37 (hg19) VCF-style: chr20-62326250-A-G.
Other names: c.2597A>G, p.Asp866Gly (NM_001283010.1); c.3266A>G, p.Asp1089Gly (NM_016434.4); c.3338A>G, p.Asp1113Gly (NM_032957.5); short protein forms D1089G, D1113G, D866G.
Identifiers: ClinVar variation 4863516 (VCV004863516.1).

ClinVar aggregate classification (germline): Uncertain significance (1 of 4 stars; one submission).

Conditions:
Inborn genetic diseases. Identifiers: MedGen C0950123, MeSH D030342.

gnomAD v4.1: 1 of 1,612,560 alleles (0.000062%); highest among the groups gnomAD compares: Non-Finnish European, 0.000085%; no homozygotes.

Submission:

Ambry Genetics
Classification: Uncertain significance for Inborn genetic diseases. Last evaluated: 2026-03-18. Review status: criteria provided, single submitter. Criteria: Ambry Variant Classification Scheme 2023. Collection method: clinical testing. Allele origin: germline.
Comment: The p.D1089G variant (also known as c.3266A>G), located in coding exon 31 of the RTEL1 gene, results from an A to G substitution at nucleotide position 3266. The aspartic acid at codon 1089 is replaced by glycine, an amino acid with similar properties. This amino acid position is conserved. In addition, the in silico prediction for this alteration is inconclusive. Based on the available evidence, the clinical significance of this variant remains unclear.